The following is an entry in ClinVar:

ClinVar aggregate classification (germline): Uncertain significance (0 of 4 stars; one submission).

Conditions:
SEMA3D-related disorder. Also called: SEMA3D-related condition.

Submission:

PreventionGenetics, part of Exact Sciences
Classification: Uncertain significance for SEMA3D-related condition. Last evaluated: 2024-04-28. Review status: no assertion criteria provided. Collection method: clinical testing. Allele origin: germline.
Comment: The SEMA3D c.1635T>G variant is predicted to result in the amino acid substitution p.Cys545Trp. To our knowledge, this variant has not been reported in the literature or in a large population database, indicating this variant is rare. At this time, the clinical significance of this variant is uncertain due to the absence of conclusive functional and genetic evidence.

NM_001384900.1(SEMA3D):c.1635T>G (p.Cys545Trp)

Gene: SEMA3D (semaphorin 3D; minus strand). Cytogenetic location: 7q21.11.
Variant type: single nucleotide variant.
Coding change: c.1635T>G on transcript NM_001384900.1 (MANE Select); coding-DNA position 1635, T replaced by G.
Protein change: p.Cys545Trp; replaces cysteine 545 with tryptophan.
Molecular consequence: missense variant.
Genome position (GRCh38, 1-based): chr7:85,015,127, A>C on the plus strand (T>G on the coding strand, the complement: SEMA3D is on the minus strand). VCF-style: chr7-85015127-A-C. GRCh37 (hg19) VCF-style: chr7-84644443-A-C.
Other names: c.1635T>G, p.Cys545Trp (NM_001384901.1, NM_001384902.1, NM_001384903.1 and 1 more transcripts); short protein forms C545W.
Identifiers: ClinVar variation 3344947 (VCV003344947.1).